The following is an entry in ClinVar:

ClinVar aggregate classification (germline): Likely benign (1 of 4 stars; one submission).

Allele frequency attached by ClinVar (database versions not stated): gnomAD 0.00002 and 0.00003; gnomAD exomes 0.00002 and 0.00005; TOPMed 0.00002.
gnomAD v4.1: 69 of 1,611,778 alleles (0.0043%); highest among the groups gnomAD compares: Non-Finnish European, 0.0057%; no homozygotes.

Submission:

CeGaT Center for Human Genetics Tuebingen
Classification: Likely benign. Last evaluated: 2022-06-01. Review status: criteria provided, single submitter. Criteria: CeGaT Center For Human Genetics Tuebingen Variant Classification Criteria Version 2. Collection method: clinical testing. Allele origin: germline. Affected: yes. Observed: 1 variant allele.
Comment: BRSK2: BP4, BP7

NM_001256627.2(BRSK2):c.955C>T (p.Leu319=)

Gene: BRSK2 (BR serine/threonine kinase 2; plus strand). Cytogenetic location: 11p15.5.
Variant type: single nucleotide variant.
Coding change: c.955C>T on transcript NM_001256627.2 (MANE Select); coding-DNA position 955, C replaced by T.
Protein change: p.Leu319=; no amino-acid change (leucine 319 retained).
Molecular consequence: synonymous variant. On other transcripts: non-coding transcript variant (1).
Genome position (GRCh38, 1-based): chr11:1,445,436, C>T. VCF-style: chr11-1445436-C-T. GRCh37 (hg19) VCF-style: chr11-1466666-C-T.
Other names: c.955C>T, p.Leu319= (NM_001256629.2, NM_003957.4); c.1093C>T, p.Leu365= (NM_001256630.1); c.775C>T, p.Leu259= (NM_001282218.2).
Identifiers: ClinVar variation 1694581 (VCV001694581.31), dbSNP rs1262295078, ClinGen allele CA472456986.